The following is an entry in ClinVar:

ClinVar aggregate classification (germline): Conflicting classifications of pathogenicity. Review status: criteria provided, conflicting classifications (1 of 4 stars). 6 submissions from 6 submitters: Uncertain significance (5); Likely benign (1). Last evaluated 2024-10-24.

Conditions:
Hereditary cancer-predisposing syndrome. Also called: Tumor predisposition; Neoplastic Syndromes, Hereditary; Hereditary neoplastic syndrome; Hereditary Cancer Syndrome. Identifiers: Orphanet 140162, MedGen C0027672, MeSH D009386, MONDO:0015356.
Hereditary breast ovarian cancer syndrome. Also called: Hereditary breast and ovarian cancer; Hereditary breast and ovarian cancer syndrome (HBOC); Breast and ovarian cancer; Hereditary breast and ovarian cancer syndrome; BRCA1- and BRCA2-Associated Hereditary Breast and Ovarian Cancer; Hereditary breast and/or ovarian cancer syndrome. Identifiers: Orphanet 145, MedGen C0677776, MeSH D061325, MONDO:0003582. Disease mechanism: loss of function.

Allele frequency attached by ClinVar (database versions not stated): TOPMed below 0.00001.

Submissions (6):

Labcorp Genetics (formerly Invitae), Labcorp
Classification: Uncertain significance for Hereditary breast ovarian cancer syndrome. Last evaluated: 2024-10-24. Review status: criteria provided, single submitter. Criteria: Invitae Variant Classification Sherloc (09022015). Collection method: clinical testing. Allele origin: germline.
Comment: This sequence change replaces glutamic acid, which is acidic and polar, with aspartic acid, which is acidic and polar, at codon 1053 of the BRCA1 protein (p.Glu1053Asp). This variant is not present in population databases (gnomAD no frequency). This missense change has been observed in individual(s) with clinical features of BRCA1-related conditions (PMID: 35171259). ClinVar contains an entry for this variant (Variation ID: 630988). Invitae Evidence Modeling of protein sequence and biophysical properties (such as structural, functional, and spatial information, amino acid conservation, physicochemical variation, residue mobility, and thermodynamic stability) indicates that this missense variant is not expected to disrupt BRCA1 protein function with a negative predictive value of 95%. In summary, the available evidence is currently insufficient to determine the role of this variant in disease. Therefore, it has been classified as a Variant of Uncertain Significance.

Color Diagnostics, LLC DBA Color Health
Classification: Uncertain significance for Hereditary cancer-predisposing syndrome. Last evaluated: 2024-06-17. Review status: criteria provided, single submitter. Criteria: ACMG Guidelines, 2015. Collection method: clinical testing. Allele origin: germline.
Comment: This missense variant replaces glutamic acid with aspartic acid at codon 1053 of the BRCA1 protein. Computational prediction is inconclusive regarding the impact of this variant on protein structure and function. To our knowledge, functional studies have not been reported for this variant. This variant has been reported in individuals affected with pancreatic and gastric cancer in the literature (PMID: 3517125, 36627197). This variant has not been identified in the general population by the Genome Aggregation Database (gnomAD). The available evidence is insufficient to determine the role of this variant in disease conclusively. Therefore, this variant is classified as a Variant of Uncertain Significance.

Ambry Genetics
Classification: Uncertain significance for Hereditary cancer-predisposing syndrome. Last evaluated: 2023-08-01. Review status: criteria provided, single submitter. Criteria: Ambry Variant Classification Scheme 2023. Collection method: clinical testing. Allele origin: germline.
Comment: The p.E1053D variant (also known as c.3159A>C), located in coding exon 9 of the BRCA1 gene, results from an A to C substitution at nucleotide position 3159. The glutamic acid at codon 1053 is replaced by aspartic acid, an amino acid with highly similar properties. This amino acid position is highly conserved in available vertebrate species. In addition, the in silico prediction for this alteration is inconclusive. Since supporting evidence is limited at this time, the clinical significance of this alteration remains unclear.

Women's Health and Genetics/Laboratory Corporation of America, LabCorp
Classification: Uncertain significance. Last evaluated: 2023-07-17. Review status: criteria provided, single submitter. Criteria: LabCorp Variant Classification Summary - May 2015. Collection method: clinical testing. Allele origin: germline.
Comment: Variant summary: BRCA1 c.3159A>C (p.Glu1053Asp) results in a conservative amino acid change in the encoded protein sequence. Four of five in-silico tools predict a benign effect of the variant on protein function. The variant was absent in 250888 control chromosomes (gnomAD). The available data on variant occurrences in the general population are insufficient to allow any conclusion about variant significance. c.3159A>C has been reported in the literature in at least one individual with Pancreatic Ductal Adenocarcinoma (Yin_2022). This report does not provide unequivocal conclusions about association of the variant with Hereditary Breast And Ovarian Cancer Syndrome. To our knowledge, no experimental evidence demonstrating an impact on protein function has been reported. The following publication has been ascertained in the context of this evaluation (PMID: 35171259). Two ClinVar submitters have assessed the variant since 2014: one classified the variant as likely benign and the other as uncertain significance. Based on the evidence outlined above, the variant was classified as uncertain significance.

Quest Diagnostics Nichols Institute San Juan Capistrano
Classification: Uncertain significance. Last evaluated: 2023-06-01. Review status: criteria provided, single submitter. Criteria: Quest Diagnostics criteria. Collection method: clinical testing. Allele origin: unknown.
Comment: In the published literature, this variant has been reported in an individual with gastric cancer (PMID: 36627197 (2023)). Additionally, it has also been identified in a study of BRCA1 and BRCA2 regions without essential functions that tolerate variation (PMID: 31911673 (2020)). This variant has not been reported in large, multi-ethnic general populations (Genome Aggregation Database). Analysis of this variant using bioinformatics tools for the prediction of the effect of amino acid changes on protein structure and function yielded conflicting predictions that this variant is benign or damaging. Based on the available information, we are unable to determine the clinical significance of this variant.

University of Washington Department of Laboratory Medicine, University of Washington
Classification: Likely benign for Hereditary cancer-predisposing syndrome. Last evaluated: 2023-03-23. Review status: criteria provided, single submitter. Criteria: Dines et al. (Genet Med. 2020). Collection method: curation. Allele origin: germline.
Comment: Missense variant in a coldspot region where missense variants are very unlikely to be pathogenic (PMID:31911673).

BRCA1 coldspot (exon 11 using historical exon numbering). Reclassification based on statistical prior probability

Literature cited by the submitters: PubMed 35171259 (cited by Labcorp Genetics (formerly Invitae), Labcorp and Women's Health and Genetics/Laboratory Corporation of America, LabCorp); PubMed 3517125 (cited by Color Diagnostics, LLC DBA Color Health); PubMed 36627197 (cited by Color Diagnostics, LLC DBA Color Health and Quest Diagnostics Nichols Institute San Juan Capistrano); PubMed 31911673 (cited by Quest Diagnostics Nichols Institute San Juan Capistrano).

NM_007294.4(BRCA1):c.3159A>C (p.Glu1053Asp)

Gene: BRCA1 (BRCA1 DNA repair associated; minus strand). Cytogenetic location: 17q21.31.
Variant type: single nucleotide variant.
Coding change: c.3159A>C on transcript NM_007294.4 (MANE Select); coding-DNA position 3159, A replaced by C.
Protein change: p.Glu1053Asp; replaces glutamic acid 1053 with aspartic acid.
Molecular consequence: missense variant. On other transcripts: intron variant (137).
Genome position (GRCh38, 1-based): chr17:43,092,372, T>G on the plus strand (A>C on the coding strand, the complement: BRCA1 is on the minus strand). VCF-style: chr17-43092372-T-G. GRCh37 (hg19) VCF-style: chr17-41244389-T-G.
Other names: c.2946A>C, p.Glu982Asp (NM_001407571.1, NM_001407853.1, NM_001407894.1 and 9 more transcripts); c.3159A>C, p.Glu1053Asp (NM_001407581.1, NM_001407582.1, NM_001407583.1 and 30 more transcripts); c.3156A>C, p.Glu1052Asp (NM_001407587.1, NM_001407590.1, NM_001407591.1 and 22 more transcripts); c.3150A>C, p.Glu1050Asp (NM_001407646.1, NM_001407647.1); c.3036A>C, p.Glu1012Asp (NM_001407648.1, NM_001407664.1, NM_001407665.1 and 19 more transcripts); c.3033A>C, p.Glu1011Asp (NM_001407649.1, NM_001407670.1, NM_001407671.1 and 11 more transcripts); c.3081A>C, p.Glu1027Asp (NM_001407653.1, NM_001407654.1, NM_001407655.1 and 4 more transcripts); c.3078A>C, p.Glu1026Asp (NM_001407659.1, NM_001407660.1, NM_001407661.1 and 1 more transcripts); and 41 more; short protein forms E1053D, E1006D, E1052D, E757D, E1012D, E1050D, E925D, E965D.
Identifiers: ClinVar variation 630988 (VCV000630988.13), dbSNP rs1567792698, ClinGen allele CA10595665.